The following is an entry in ClinVar:

NM_020937.4(FANCM):c.5806T>A (p.Ser1936Thr)

Gene: FANCM (FA complementation group M; plus strand). Cytogenetic location: 14q21.2.
Variant type: single nucleotide variant.
Coding change: c.5806T>A on transcript NM_020937.4 (MANE Select); coding-DNA position 5806, T replaced by A.
Protein change: p.Ser1936Thr; replaces serine 1936 with threonine.
Molecular consequence: missense variant.
Genome position (GRCh38, 1-based): chr14:45,198,733, T>A. VCF-style: chr14-45198733-T-A. GRCh37 (hg19) VCF-style: chr14-45667936-T-A.
Other names: c.5728T>A, p.Ser1910Thr (NM_001308133.2); short protein forms S1936T, S1910T.
Identifiers: ClinVar variation 1908677 (VCV001908677.6), dbSNP rs2503280070, ClinGen allele CA389586854.
Genomic context (GRCh38, chr14:45,198,733, plus strand): 5'-AAGAGCTATGACAGCCTGCTGACTACCTTAATTGGCGCTGGAATCCGAATTCTTTTCAGT[T>A]CCTGCCAAGAAGAAACCGCAGATTTGCTAAAGGAACTGTCTTTAGTGGAACAAAGAAAGA-3'
Protein context (NP_065988.1, residues 1926-1946): IGAGIRILFS[Ser1936Thr]CQEETADLLK

ClinVar aggregate classification (germline): Uncertain significance. Review status: criteria provided, multiple submitters, no conflicts (2 of 4 stars). 2 submissions from 2 submitters: Uncertain significance (2). Last evaluated 2026-06-06.

Conditions:
Inborn genetic diseases. Identifiers: MedGen C0950123, MeSH D030342.
Fanconi anemia (FA). Also called: Fanconi's anemia. Identifiers: Orphanet 84, MedGen C0015625, MeSH D005199, MONDO:0019391.

Submissions (2):

Ambry Genetics
Classification: Uncertain significance for Inborn genetic diseases. Last evaluated: 2026-06-06. Review status: criteria provided, single submitter. Criteria: Ambry Variant Classification Scheme 2023. Collection method: clinical testing. Allele origin: germline.
Comment: The p.S1936T variant (also known as c.5806T>A), located in coding exon 22 of the FANCM gene, results from a T to A substitution at nucleotide position 5806. The serine at codon 1936 is replaced by threonine, an amino acid with similar properties. This amino acid position is conserved. In addition, this alteration is predicted to be tolerated by in silico analysis. Based on the available evidence, the clinical significance of this variant remains unclear.

Labcorp Genetics (formerly Invitae), Labcorp
Classification: Uncertain significance for Fanconi anemia. Last evaluated: 2022-07-21. Review status: criteria provided, single submitter. Criteria: Invitae Variant Classification Sherloc (09022015). Collection method: clinical testing. Allele origin: germline.
Comment: In summary, the available evidence is currently insufficient to determine the role of this variant in disease. Therefore, it has been classified as a Variant of Uncertain Significance. Algorithms developed to predict the effect of missense changes on protein structure and function are either unavailable or do not agree on the potential impact of this missense change (SIFT: "Deleterious"; PolyPhen-2: "Probably Damaging"; Align-GVGD: "Class C0"). This variant has not been reported in the literature in individuals affected with FANCM-related conditions. This variant is not present in population databases (gnomAD no frequency). This sequence change replaces serine, which is neutral and polar, with threonine, which is neutral and polar, at codon 1936 of the FANCM protein (p.Ser1936Thr).